The following is an entry in ClinVar:

NM_001080477.4(TENM3):c.7896C>G (p.Ala2632=)

Gene: TENM3 (teneurin transmembrane protein 3; plus strand). Cytogenetic location: 4q35.1.
Variant type: single nucleotide variant.
Coding change: c.7896C>G on transcript NM_001080477.4 (MANE Select); coding-DNA position 7896, C replaced by G.
Protein change: p.Ala2632=; no amino-acid change (alanine 2632 retained).
Molecular consequence: synonymous variant.
Genome position (GRCh38, 1-based): chr4:182,800,147, C>G. VCF-style: chr4-182800147-C-G. GRCh37 (hg19) VCF-style: chr4-183721300-C-G.
Identifiers: ClinVar variation 725313 (VCV000725313.7), dbSNP rs566895043, ClinGen allele CA3149032.

ClinVar aggregate classification (germline): Likely benign. Review status: criteria provided, single submitter (1 of 4 stars). 2 submissions from 2 submitters: Likely benign (1). 1 of the submissions does not count toward it. Last evaluated 2025-08-13.

Conditions:
TENM3-related disorder. Also called: TENM3-related condition.

Allele frequency attached by ClinVar (database versions not stated): gnomAD exomes 0.00017; ExAC 0.00045; 1000 Genomes Project 30x 0.00047; 1000 Genomes Project 0.00060; gnomAD 0.00135 and 0.00147; TOPMed 0.00141.
gnomAD v4.1: 313 of 1,452,408 alleles (0.022%); highest among the groups gnomAD compares: African/African-American, 0.42%; 2 homozygotes.

Submissions (2):

Labcorp Genetics (formerly Invitae), Labcorp
Classification: Likely benign. Last evaluated: 2025-08-13. Review status: criteria provided, single submitter. Criteria: Invitae Variant Classification Sherloc (09022015). Collection method: clinical testing. Allele origin: germline.

PreventionGenetics, part of Exact Sciences
Classification: Likely benign for TENM3-related condition. Last evaluated: 2019-03-15. Review status: no assertion criteria provided. Collection method: clinical testing. Allele origin: germline. Not counted in ClinVar's aggregate classification.
Comment: This variant is classified as likely benign based on ACMG/AMP sequence variant interpretation guidelines (Richards et al. 2015 PMID: 25741868, with internal and published modifications).